The following is an entry in ClinVar:

NM_002755.4(MAP2K1):c.883A>G (p.Arg295Gly)

Gene: MAP2K1 (mitogen-activated protein kinase kinase 1; plus strand). Cytogenetic location: 15q22.31.
Variant type: single nucleotide variant.
Coding change: c.883A>G on transcript NM_002755.4 (MANE Select); coding-DNA position 883, A replaced by G.
Protein change: p.Arg295Gly; replaces arginine 295 with glycine.
Molecular consequence: missense variant.
Genome position (GRCh38, 1-based): chr15:66,485,179, A>G. VCF-style: chr15-66485179-A-G. GRCh37 (hg19) VCF-style: chr15-66777517-A-G.
Other names: c.739A>G, p.Arg247Gly (NM_001411065.1); short protein forms R247G, R295G.
Identifiers: ClinVar variation 3222783 (VCV003222783.1), dbSNP rs1461545359, ClinGen allele CA392937418.
Genomic context (GRCh38, chr15:66,485,179, plus strand): 5'-TTTGGGTGCCAGGTGGAAGGAGATGCGGCTGAGACCCCACCCAGGCCAAGGACCCCCGGG[A>G]GGCCCCTTAGCTGTGAGTAGCCTGGTGTGTCCCCATCTTGGACTGTTGGAGGGGAGGGTC-3'
Protein context (NP_002746.1, residues 285-305): ETPPRPRTPG[Arg295Gly]PLSSYGMDSR

ClinVar aggregate classification (germline): Uncertain significance (1 of 4 stars; one submission).

Conditions:
Cardiovascular phenotype. Identifiers: MedGen CN230736.

Allele frequency attached by ClinVar (database versions not stated): TOPMed below 0.00001; gnomAD 0.00001.
gnomAD v4.1: 1 of 1,613,626 alleles (0.000062%); highest among the groups gnomAD compares: East Asian, 0.0022%; no homozygotes.

Submission:

Ambry Genetics
Classification: Uncertain significance for Cardiovascular phenotype. Last evaluated: 2023-10-05. Review status: criteria provided, single submitter. Criteria: Ambry Variant Classification Scheme 2023. Collection method: clinical testing. Allele origin: germline.
Comment: The p.R295G variant (also known as c.883A>G), located in coding exon 7 of the MAP2K1 gene, results from an A to G substitution at nucleotide position 883. The arginine at codon 295 is replaced by glycine, an amino acid with dissimilar properties. This amino acid position is conserved. In addition, this alteration is predicted to be deleterious by in silico analysis. Since supporting evidence is limited at this time, the clinical significance of this alteration remains unclear.